The following is an entry in ClinVar:

NM_000059.4(BRCA2):c.1007C>T (p.Ala336Val)

Gene: BRCA2 (BRCA2 DNA repair associated; plus strand). Cytogenetic location: 13q13.1.
Variant type: single nucleotide variant.
Coding change: c.1007C>T on transcript NM_000059.4 (MANE Select); coding-DNA position 1007, C replaced by T.
Protein change: p.Ala336Val; replaces alanine 336 with valine.
Molecular consequence: missense variant. On other transcripts: non-coding transcript variant (1), intron variant (1).
Genome position (GRCh38, 1-based): chr13:32,332,485, C>T. VCF-style: chr13-32332485-C-T. GRCh37 (hg19) VCF-style: chr13-32906622-C-T.
Other names: c.1007C>T, p.Ala336Val (NM_001406719.1, NM_001406720.1, NM_001406721.1); c.424+1455C>T (NM_001406722.1); short protein forms A336V.
Identifiers: ClinVar variation 2829286 (VCV002829286.3), dbSNP rs2072402481, ClinGen allele CA387761083.
Genomic context (GRCh38, chr13:32,332,485, plus strand): 5'-GAACAAAAAATCTACAAAAAGTAAGAACTAGCAAGACTAGGAAAAAAATTTTCCATGAAG[C>T]AAACGCTGATGAATGTGAAAAATCTAAAAACCAAGTGAAAGAAAAATACTCATTTGTATC-3'
Protein context (NP_000050.3, residues 326-346): SKTRKKIFHE[Ala336Val]NADECEKSKN

ClinVar aggregate classification (germline): Uncertain significance (1 of 4 stars; one submission).

Conditions:
Hereditary breast ovarian cancer syndrome. Also called: Hereditary breast and ovarian cancer; BRCA1- and BRCA2-Associated Hereditary Breast and Ovarian Cancer; Hereditary breast and ovarian cancer syndrome; Hereditary breast and ovarian cancer syndrome (HBOC); Breast and ovarian cancer; Hereditary breast and/or ovarian cancer syndrome. Identifiers: Orphanet 145, MedGen C0677776, MeSH D061325, MONDO:0003582. Disease mechanism: loss of function.

Submission:

Labcorp Genetics (formerly Invitae), Labcorp
Classification: Uncertain significance for Hereditary breast ovarian cancer syndrome. Last evaluated: 2023-01-16. Review status: criteria provided, single submitter. Criteria: Invitae Variant Classification Sherloc (09022015). Collection method: clinical testing. Allele origin: germline.
Comment: This variant is not present in population databases (gnomAD no frequency). This sequence change replaces alanine, which is neutral and non-polar, with valine, which is neutral and non-polar, at codon 336 of the BRCA2 protein (p.Ala336Val). This variant has not been reported in the literature in individuals affected with BRCA2-related conditions. In summary, the available evidence is currently insufficient to determine the role of this variant in disease. Therefore, it has been classified as a Variant of Uncertain Significance. Advanced modeling of protein sequence and biophysical properties (such as structural, functional, and spatial information, amino acid conservation, physicochemical variation, residue mobility, and thermodynamic stability) performed at Invitae indicates that this missense variant is not expected to disrupt BRCA2 protein function.